The following is an entry in ClinVar:

NM_198525.3(KIF7):c.1961G>A (p.Arg654His)

Gene: KIF7 (kinesin family member 7; minus strand). Cytogenetic location: 15q26.1.
Variant type: single nucleotide variant.
Coding change: c.1961G>A on transcript NM_198525.3 (MANE Select); coding-DNA position 1961, G replaced by A.
Protein change: p.Arg654His; replaces arginine 654 with histidine.
Molecular consequence: missense variant.
Genome position (GRCh38, 1-based): chr15:89,645,413, C>T on the plus strand (G>A on the coding strand, the complement: KIF7 is on the minus strand). VCF-style: chr15-89645413-C-T. GRCh37 (hg19) VCF-style: chr15-90188644-C-T.
Other names: c.1961G>A (NM_198525.2); short protein forms R654H.
Identifiers: ClinVar variation 1499008 (VCV001499008.5), dbSNP rs542994181, ClinGen allele CA7728384.

ClinVar aggregate classification (germline): Uncertain significance. Review status: criteria provided, multiple submitters, no conflicts (2 of 4 stars). 3 submissions from 3 submitters: Uncertain significance (3). Last evaluated 2025-08-24.

Conditions:
Inborn genetic diseases. Identifiers: MedGen C0950123, MeSH D030342.
Acrocallosal syndrome (ACLS). Also called: HALLUX DUPLICATION, POSTAXIAL POLYDACTYLY, AND ABSENCE OF CORPUS CALLOSUM; Schinzel syndrome 1; Absence of corpus callosum with unusual facial appearance, mental deficiency, duplication of the halluces and polydactyly. Identifiers: Orphanet 36, MedGen C0796147, MONDO:0008708, OMIM 200990.
Multiple epiphyseal dysplasia, Al-Gazali type. Also called: Macrocephaly with multiple epiphyseal dysplasia and distinctive facies. Identifiers: Orphanet 166024, MedGen C1846722, MONDO:0011778, OMIM 607131.
Hydrolethalus syndrome 2 (HLS2). Identifiers: Orphanet 2189, MedGen C3279899, MONDO:0013585, OMIM 614120.

Allele frequency attached by ClinVar (database versions not stated): gnomAD exomes 0.00004 and 0.00013; gnomAD 0.00006 and 0.00008; TOPMed 0.00007; ExAC 0.00014; 1000 Genomes Project 30x 0.00094; 1000 Genomes Project 0.00100.
gnomAD v4.1: 71 of 1,613,996 alleles (0.0044%); highest among the groups gnomAD compares: South Asian, 0.065%; 1 homozygote.

Submissions (3):

Ambry Genetics
Classification: Uncertain significance for Inborn genetic diseases. Last evaluated: 2025-08-24. Review status: criteria provided, single submitter. Criteria: Ambry Variant Classification Scheme 2023. Collection method: clinical testing. Allele origin: germline.

Fulgent Genetics
Classification: Uncertain significance for Acrocallosal syndrome; Multiple epiphyseal dysplasia, Al-Gazali type; Hydrolethalus syndrome 2. Last evaluated: 2024-02-07. Review status: criteria provided, single submitter. Criteria: ACMG Guidelines, 2015. Collection method: clinical testing. Allele origin: germline.

Labcorp Genetics (formerly Invitae), Labcorp
Classification: Uncertain significance for Acrocallosal syndrome. Last evaluated: 2022-06-27. Review status: criteria provided, single submitter. Criteria: Invitae Variant Classification Sherloc (09022015). Collection method: clinical testing. Allele origin: germline.
Comment: This sequence change replaces arginine, which is basic and polar, with histidine, which is basic and polar, at codon 654 of the KIF7 protein (p.Arg654His). This variant is present in population databases (rs542994181, gnomAD 0.09%). This variant has not been reported in the literature in individuals affected with KIF7-related conditions. Algorithms developed to predict the effect of missense changes on protein structure and function output the following: SIFT: "Tolerated"; PolyPhen-2: "Benign"; Align-GVGD: "Class C0". The histidine amino acid residue is found in multiple mammalian species, which suggests that this missense change does not adversely affect protein function. In summary, the available evidence is currently insufficient to determine the role of this variant in disease. Therefore, it has been classified as a Variant of Uncertain Significance.